The following is an entry in ClinVar:

NM_004656.4(BAP1):c.580+4G>A

Gene: BAP1 (BRCA1 associated deubiquitinase 1; minus strand). Cytogenetic location: 3p21.1.
Variant type: single nucleotide variant.
Coding change: c.580+4G>A on transcript NM_004656.4 (MANE Select); 4 bases into the intron after coding-DNA position 580, G replaced by A.
Molecular consequence: intron variant.
Genome position (GRCh38, 1-based): chr3:52,407,170, C>T on the plus strand (G>A on the coding strand, the complement: BAP1 is on the minus strand). VCF-style: chr3-52407170-C-T. GRCh37 (hg19) VCF-style: chr3-52441186-C-T.
Identifiers: ClinVar variation 412405 (VCV000412405.4), dbSNP rs1060503730, ClinGen allele CA16611444.

ClinVar aggregate classification (germline): Uncertain significance (1 of 4 stars; one submission).

Conditions:
BAP1-related tumor predisposition syndrome (TPDS1). Also called: Tumor susceptibility linked to germline BAP1 mutations; COMMON Syndrome; TUMOR PREDISPOSITION SYNDROME 1; BAP1 tumor predisposition syndrome. Identifiers: Orphanet 289539, MedGen C3280492, MONDO:0013692, OMIM 614327.

Submission:

Labcorp Genetics (formerly Invitae), Labcorp
Classification: Uncertain significance for BAP1-related tumor predisposition syndrome. Last evaluated: 2021-09-01. Review status: criteria provided, single submitter. Criteria: Invitae Variant Classification Sherloc (09022015). Collection method: clinical testing. Allele origin: germline.
Comment: This sequence change falls in intron 7 of the BAP1 gene. It does not directly change the encoded amino acid sequence of the BAP1 protein. It affects a nucleotide within the consensus splice site of the intron. This variant is not present in population databases (ExAC no frequency). This variant has not been reported in the literature in individuals affected with BAP1-related conditions. ClinVar contains an entry for this variant (Variation ID: 412405). Variants that disrupt the consensus splice site are a relatively common cause of aberrant splicing (PMID: 17576681, 9536098). Algorithms developed to predict the effect of sequence changes on RNA splicing suggest that this variant is not likely to affect RNA splicing. In summary, the available evidence is currently insufficient to determine the role of this variant in disease. Therefore, it has been classified as a Variant of Uncertain Significance.

Literature cited by the submitters: PubMed 17576681; PubMed 9536098.